The following is an entry in ClinVar:

ClinVar aggregate classification (germline): Uncertain significance. Review status: criteria provided, multiple submitters, no conflicts (2 of 4 stars). 2 submissions from 2 submitters: Uncertain significance (2). Last evaluated 2025-06-16.

Conditions:
Dilated cardiomyopathy 1G (CMD1G). Identifiers: Orphanet 154, MedGen C1858763, MONDO:0011400, OMIM 604145.
Autosomal recessive limb-girdle muscular dystrophy type 2J (LGMDR10). Also called: Limb-girdle muscular dystrophy, type 2J; MUSCULAR DYSTROPHY, LIMB-GIRDLE, AUTOSOMAL RECESSIVE 10. Identifiers: Orphanet 140922, MedGen C1837342, MONDO:0012127, OMIM 608807.

gnomAD v4.1: 2 of 1,612,408 alleles (0.00012%); highest among the groups gnomAD compares: Non-Finnish European, 0.000085%; no homozygotes.

Submissions (2):

Labcorp Genetics (formerly Invitae), Labcorp
Classification: Uncertain significance for Dilated cardiomyopathy 1G; Autosomal recessive limb-girdle muscular dystrophy type 2J. Last evaluated: 2025-06-16. Review status: criteria provided, single submitter. Criteria: Invitae Variant Classification Sherloc (09022015). Collection method: clinical testing. Allele origin: germline.
Comment: This sequence change replaces threonine, which is neutral and polar, with alanine, which is neutral and non-polar, at codon 35444 of the TTN protein (p.Thr35444Ala). This variant is not present in population databases (gnomAD no frequency). This variant has not been reported in the literature in individuals affected with TTN-related conditions. ClinVar contains an entry for this variant (Variation ID: 1014960). An algorithm developed to predict the effect of missense changes on protein structure and function outputs the following: PolyPhen-2: "Not Available". The alanine amino acid residue is found in multiple mammalian species, which suggests that this missense change does not adversely affect protein function. This variant is located in the M band of TTN (PMID: 25589632). Non-truncating variants in this region may be relevant for neuromuscular disorders, but have not been definitively shown to cause cardiomyopathy (PMID: 23975875). In summary, the available evidence is currently insufficient to determine the role of this variant in disease. Therefore, it has been classified as a Variant of Uncertain Significance.

Revvity Omics, Revvity
Classification: Uncertain significance. Last evaluated: 2022-01-27. Review status: criteria provided, single submitter. Criteria: ACMG Guidelines, 2015. Collection method: clinical testing. Allele origin: germline.

Literature cited by the submitters: PubMed 25589632 (cited by Labcorp Genetics (formerly Invitae), Labcorp); PubMed 23975875 (cited by Labcorp Genetics (formerly Invitae), Labcorp).

NM_001267550.2(TTN):c.106330A>G (p.Thr35444Ala)

Genes: TTN (titin; minus strand), TTN-AS1 (TTN antisense RNA 1; plus strand). Cytogenetic location: 2q31.2.
Variant type: single nucleotide variant.
Coding change: c.106330A>G on transcript NM_001267550.2 (MANE Select); coding-DNA position 106330, A replaced by G.
Protein change: p.Thr35444Ala; replaces threonine 35444 with alanine.
Molecular consequence: missense variant.
Genome position (GRCh38, 1-based): chr2:178,530,285, T>C on the plus strand (A>G on the coding strand, the complement: TTN is on the minus strand). VCF-style: chr2-178530285-T-C. GRCh37 (hg19) VCF-style: chr2-179395012-T-C.
Other names: c.101407A>G, p.Thr33803Ala (NM_001256850.1); c.79135A>G, p.Thr26379Ala (NM_003319.4); c.98626A>G, p.Thr32876Ala (NM_133378.4); c.79510A>G, p.Thr26504Ala (NM_133432.3); c.79711A>G, p.Thr26571Ala (NM_133437.4); short protein forms T26379A, T26504A, T26571A, T32876A, T33803A, T35444A.
Identifiers: ClinVar variation 1014960 (VCV001014960.8), dbSNP rs1688516881, ClinGen allele CA349406047.